The following is an entry in ClinVar:

ClinVar aggregate classification (germline): Benign/Likely benign. Review status: criteria provided, multiple submitters, no conflicts (2 of 4 stars). 4 submissions from 4 submitters: Benign (2); Likely benign (2). Last evaluated 2026-06-01.

Conditions:
Developmental and epileptic encephalopathy, 27 (DEE27). Also called: GRIN2B-Related Neurodevelopmental Disorder; Epileptic encephalopathy, early infantile, 27. Identifiers: Orphanet 3451, MedGen C4015316, MONDO:0014505, OMIM 616139.
Intellectual developmental disorder, autosomal dominant 6, with or without seizures. Also called: GRIN2B-related developmental delay, intellectual disability and autism spectrum disorder; Intellectual disability, autosomal dominant 6. Identifiers: Orphanet 589547, MedGen C3151411, MONDO:0013509, OMIM 613970.

Allele frequency attached by ClinVar (database versions not stated): gnomAD exomes 0.00003 and 0.00011; ExAC 0.00012; gnomAD 0.00003; TOPMed 0.00006.
gnomAD v4.1: 46 of 1,614,034 alleles (0.0029%); highest among the groups gnomAD compares: Admixed American, 0.042%; no homozygotes.

Submissions (4):

CeGaT Center for Human Genetics Tuebingen
Classification: Likely benign. Last evaluated: 2026-06-01. Review status: criteria provided, single submitter. Criteria: CeGaT Center For Human Genetics Tuebingen Variant Classification Criteria Version 2. Collection method: clinical testing. Allele origin: germline. Affected: yes. Observed: 1 variant allele.
Comment: GRIN2B: BP4, BP7

Labcorp Genetics (formerly Invitae), Labcorp
Classification: Likely benign for Developmental and epileptic encephalopathy, 27; Intellectual developmental disorder, autosomal dominant 6, with or without seizures. Last evaluated: 2025-03-10. Review status: criteria provided, single submitter. Criteria: Invitae Variant Classification Sherloc (09022015). Collection method: clinical testing. Allele origin: germline.

GeneDx
Classification: Benign. Last evaluated: 2021-01-08. Review status: criteria provided, single submitter. Criteria: GeneDx Variant Classification Process June 2021. Collection method: clinical testing. Allele origin: germline. Affected: yes.

Genetic Services Laboratory, University of Chicago
Classification: Benign. Last evaluated: 2017-07-26. Review status: criteria provided, single submitter. Criteria: ACMG Guidelines, 2015. Collection method: clinical testing. Allele origin: germline. Affected: no.

NM_000834.5(GRIN2B):c.834C>A (p.Ile278=)

Gene: GRIN2B (glutamate ionotropic receptor NMDA type subunit 2B; minus strand). Cytogenetic location: 12p13.1.
Variant type: single nucleotide variant.
Coding change: c.834C>A on transcript NM_000834.5 (MANE Select); coding-DNA position 834, C replaced by A.
Protein change: p.Ile278=; no amino-acid change (isoleucine 278 retained).
Molecular consequence: synonymous variant.
Genome position (GRCh38, 1-based): chr12:13,753,493, G>T on the plus strand (C>A on the coding strand, the complement: GRIN2B is on the minus strand). VCF-style: chr12-13753493-G-T. GRCh37 (hg19) VCF-style: chr12-13906427-G-T.
Identifiers: ClinVar variation 512744 (VCV000512744.18), dbSNP rs199835162, ClinGen allele CA6461359.